The following is an entry in ClinVar:

NM_001903.5(CTNNA1):c.900_923del (p.Phe301_Arg308del)

Gene: CTNNA1 (catenin alpha 1; plus strand). Cytogenetic location: 5q31.2.
Variant type: Deletion.
Coding change: c.900_923del on transcript NM_001903.5 (MANE Select); coding-DNA positions 900 to 923, 24 bases deleted (CTTTAGGCCTTCCCTGGAGGAGCG).
Protein change: p.Phe301_Arg308del.
Molecular consequence: inframe deletion.
Genome position (GRCh38, 1-based): chr5:138,827,556-138,827,579, CTTTAGGCCTTCCCTGGAGGAGCG deleted; deleting any 24 consecutive bases within chr5:138,827,548-138,827,579 gives the same sequence; the c. name uses the placement nearest the transcript's 3' end. VCF-style (leftmost placement, unchanged base first): chr5-138827547-CGAGGAGCGCTTTAGGCCTTCCCTG-C. GRCh37 (hg19) VCF-style: chr5-138163236-CGAGGAGCGCTTTAGGCCTTCCCTG-C.
Other names: c.900_923del, p.Phe301_Arg308del (NM_001290307.3, NM_001323982.2, NM_001323983.1 and 3 more transcripts); c.591_614del, p.Phe198_Arg205del (NM_001290309.3); c.531_554del, p.Phe178_Arg185del (NM_001290310.3).
Identifiers: ClinVar variation 970535 (VCV000970535.9), dbSNP rs1760845759, ClinGen allele CA1139659084.
Genomic context (GRCh38, chr5:138,827,547, plus strand): 5'-CTAACATTCGGTAATACTTTCTCTGCAGAAACAAATCATTGTGGACCCCTTGAGCTTCAG[CGAGGAGCGCTTTAGGCCTTCCCTG>C]GAGGAGCGTCTGGAAAGCATCATTAGTGGGGCTGCCTTGATGGCCGACTCGTCCTGCACG-3'

ClinVar aggregate classification (germline): Uncertain significance (1 of 4 stars; one submission).

Submission:

Labcorp Genetics (formerly Invitae), Labcorp
Classification: Uncertain significance. Last evaluated: 2021-04-10. Review status: criteria provided, single submitter. Criteria: Invitae Variant Classification Sherloc (09022015). Collection method: clinical testing. Allele origin: germline.
Comment: In summary, the available evidence is currently insufficient to determine the role of this variant in disease. Therefore, it has been classified as a Variant of Uncertain Significance. Experimental studies and prediction algorithms are not available or were not evaluated, and the functional significance of this variant is currently unknown. This variant has not been reported in the literature in individuals with CTNNA1-related conditions. ClinVar contains an entry for this variant (Variation ID: 970535). This variant is not present in population databases (ExAC no frequency). This variant, c.900_923del, results in the deletion of 8 amino acid(s) of the CTNNA1 protein (p.Phe301_Arg308del), but otherwise preserves the integrity of the reading frame.